The following is an entry in ClinVar:

NM_006031.6(PCNT):c.7199G>A (p.Arg2400His)

Gene: PCNT (pericentrin; plus strand). Cytogenetic location: 21q22.3.
Variant type: single nucleotide variant.
Coding change: c.7199G>A on transcript NM_006031.6 (MANE Select); coding-DNA position 7199, G replaced by A.
Protein change: p.Arg2400His; replaces arginine 2400 with histidine.
Molecular consequence: missense variant.
Genome position (GRCh38, 1-based): chr21:46,425,850, G>A. VCF-style: chr21-46425850-G-A. GRCh37 (hg19) VCF-style: chr21-47845764-G-A.
Other names: c.7199G>A (NM_006031.5); c.6845G>A, p.Arg2282His (NM_001315529.2); short protein forms R2282H, R2400H.
Identifiers: ClinVar variation 2921045 (VCV002921045.2), dbSNP rs757082073, ClinGen allele CA10080569.

ClinVar aggregate classification (germline): Likely benign. Review status: criteria provided, single submitter (1 of 4 stars). 2 submissions from 2 submitters: Likely benign (1). 1 of the submissions does not count toward it. Last evaluated 2023-09-06.

Conditions:
PCNT-related disorder. Also called: PCNT-related condition.
Microcephalic osteodysplastic primordial dwarfism type II (MOPD2). Also called: Microcephalic osteodysplastic primordial dwarfism with tooth abnormalities; MOPD II; OSTEODYSPLASTIC PRIMORDIAL DWARFISM, TYPE II. Identifiers: Orphanet 2637, MedGen C0432246, MONDO:0008872, OMIM 210720.

Allele frequency attached by ClinVar (database versions not stated): ExAC 0.00001; TOPMed 0.00001.
gnomAD v4.1: 10 of 1,613,678 alleles (0.00062%); highest among the groups gnomAD compares: East Asian, 0.0022%; no homozygotes.

Submissions (2):

ARUP Laboratories, Molecular Genetics and Genomics, ARUP Laboratories
Classification: Likely benign for Microcephalic osteodysplastic primordial dwarfism type II. Last evaluated: 2023-09-06. Review status: criteria provided, single submitter. Criteria: ARUP Molecular Germline Variant Investigation Process 2024. Collection method: clinical testing. Allele origin: germline.

PreventionGenetics, part of Exact Sciences
Classification: Uncertain significance for PCNT-related condition. Last evaluated: 2024-02-08. Review status: no assertion criteria provided. Collection method: clinical testing. Allele origin: germline. Not counted in ClinVar's aggregate classification.
Comment: The PCNT c.7199G>A variant is predicted to result in the amino acid substitution p.Arg2400His. To our knowledge, this variant has not been reported in the literature. This variant is reported in 0.00088% of alleles in individuals of European (Non-Finnish) descent in gnomAD. At this time, the clinical significance of this variant is uncertain due to the absence of conclusive functional and genetic evidence.